The following is an entry in ClinVar:

ClinVar aggregate classification (germline): Uncertain significance. Review status: criteria provided, multiple submitters, no conflicts (2 of 4 stars). 2 submissions from 2 submitters: Uncertain significance (2). Last evaluated 2023-12-20.

Conditions:
Inborn genetic diseases. Identifiers: MedGen C0950123, MeSH D030342.
THOC2-related disorder. Also called: THOC2-related condition.

Allele frequency attached by ClinVar (database versions not stated): gnomAD 0.00001; TOPMed 0.00003; ESP Exome Variant Server 0.00011.
gnomAD v4.1: 1 of 1,190,865 alleles (0.000084%); highest among the groups gnomAD compares: African/African-American, 0.0018%; no homozygotes.

Submissions (2):

Ambry Genetics
Classification: Uncertain significance for Inborn genetic diseases. Last evaluated: 2023-12-20. Review status: criteria provided, single submitter. Criteria: Ambry Variant Classification Scheme 2023. Collection method: clinical testing. Allele origin: germline.

PreventionGenetics, part of Exact Sciences
Classification: Uncertain significance for THOC2-related condition. Last evaluated: 2023-04-25. Review status: criteria provided, single submitter. Criteria: ACMG Guidelines, 2015. Collection method: clinical testing. Allele origin: germline.
Comment: The THOC2 c.1930A>G variant is predicted to result in the amino acid substitution p.Ser644Gly. To our knowledge, this variant has not been reported in the literature or in a large population database, indicating this variant is rare. At this time, the clinical significance of this variant is uncertain due to the absence of conclusive functional and genetic evidence.

NM_001081550.2(THOC2):c.1930A>G (p.Ser644Gly)

Gene: THOC2 (THO complex subunit 2; minus strand). Cytogenetic location: Xq25.
Variant type: single nucleotide variant.
Coding change: c.1930A>G on transcript NM_001081550.2 (MANE Select); coding-DNA position 1930, A replaced by G.
Protein change: p.Ser644Gly; replaces serine 644 with glycine.
Molecular consequence: missense variant.
Genome position (GRCh38, 1-based): chrX:123,636,167, T>C on the plus strand (A>G on the coding strand, the complement: THOC2 is on the minus strand). VCF-style: chrX-123636167-T-C. GRCh37 (hg19) VCF-style: chrX-122770018-T-C.
Other names: short protein forms S644G.
Identifiers: ClinVar variation 2629560 (VCV002629560.2), dbSNP rs377034317, ClinGen allele CA335255945.